The following is an entry in ClinVar:

NM_000440.3(PDE6A):c.1261G>C (p.Glu421Gln)

Gene: PDE6A (phosphodiesterase 6A; minus strand). Cytogenetic location: 5q32.
Variant type: single nucleotide variant.
Coding change: c.1261G>C on transcript NM_000440.3 (MANE Select); coding-DNA position 1261, G replaced by C.
Protein change: p.Glu421Gln; replaces glutamic acid 421 with glutamine.
Molecular consequence: missense variant.
Genome position (GRCh38, 1-based): chr5:149,899,377, C>G on the plus strand (G>C on the coding strand, the complement: PDE6A is on the minus strand). VCF-style: chr5-149899377-C-G. GRCh37 (hg19) VCF-style: chr5-149278940-C-G.
Other names: c.1018G>C, p.Glu340Gln (NM_001410788.1); short protein forms E340Q, E421Q.
Identifiers: ClinVar variation 2129765 (VCV002129765.4), dbSNP rs1175471547, ClinGen allele CA361696691.
Genomic context (GRCh38, chr5:149,899,377, plus strand): 5'-CTCCCCCAGCAAGCTGACTCTGAATCCCAACAGCAAAAGGCCTCCTAGCAAGCCATACCT[C>G]CATGAGCGTCTCATCCATTTCATCAAAGGGCTTCCCATCTTTACGATTGTAAAATGTGGC-3'
Protein context (NP_000431.2, residues 411-431): PFDEMDETLM[Glu421Gln]SLTQFLGWSV

ClinVar aggregate classification (germline): Uncertain significance (1 of 4 stars; one submission).

Submission:

Labcorp Genetics (formerly Invitae), Labcorp
Classification: Uncertain significance. Last evaluated: 2022-08-22. Review status: criteria provided, single submitter. Criteria: Invitae Variant Classification Sherloc (09022015). Collection method: clinical testing. Allele origin: germline.
Comment: In summary, the available evidence is currently insufficient to determine the role of this variant in disease. Therefore, it has been classified as a Variant of Uncertain Significance. Algorithms developed to predict the effect of missense changes on protein structure and function are either unavailable or do not agree on the potential impact of this missense change (SIFT: "Deleterious"; PolyPhen-2: "Probably Damaging"; Align-GVGD: "Class C0"). This variant has not been reported in the literature in individuals affected with PDE6A-related conditions. This variant is present in population databases (no rsID available, gnomAD 0.0009%). This sequence change replaces glutamic acid, which is acidic and polar, with glutamine, which is neutral and polar, at codon 421 of the PDE6A protein (p.Glu421Gln).